The following is an entry in ClinVar:

ClinVar aggregate classification (germline): Uncertain significance. Review status: criteria provided, multiple submitters, no conflicts (2 of 4 stars). 2 submissions from 2 submitters: Uncertain significance (2). Last evaluated 2024-03-25.

Allele frequency attached by ClinVar (database versions not stated): TOPMed below 0.00001; ExAC 0.00001; gnomAD 0.00001.
gnomAD v4.1: 17 of 1,613,326 alleles (0.0011%); highest among the groups gnomAD compares: Middle Eastern, 0.049%; no homozygotes.

Submissions (2):

Women's Health and Genetics/Laboratory Corporation of America, LabCorp
Classification: Uncertain significance. Last evaluated: 2024-03-25. Review status: criteria provided, single submitter. Criteria: LabCorp Variant Classification Summary - May 2015. Collection method: clinical testing. Allele origin: germline.
Comment: Variant summary: SLC12A2 c.672C>G (p.Ile224Met) results in a conservative amino acid change located in the Amino acid permease, N-terminal domain (IPR013612) of the encoded protein sequence. Three of five in-silico tools predict a damaging effect of the variant on protein function. The variant allele was found at a frequency of 8.3e-06 in 242266 control chromosomes (gnomAD). The available data on variant occurrences in the general population are insufficient to allow any conclusion about variant significance. To our knowledge, no occurrence of c.672C>G in individuals affected with SLC12A2-Related Disorders and no experimental evidence demonstrating its impact on protein function have been reported. ClinVar contains an entry for this variant (Variation ID: 2428646). Based on the evidence outlined above, the variant was classified as uncertain significance.

ARUP Laboratories, Molecular Genetics and Genomics, ARUP Laboratories
Classification: Uncertain significance. Last evaluated: 2022-03-02. Review status: criteria provided, single submitter. Criteria: ARUP Molecular Germline Variant Investigation Process 2021. Collection method: clinical testing. Allele origin: germline.

NM_001046.3(SLC12A2):c.672C>G (p.Ile224Met)

Gene: SLC12A2 (solute carrier family 12 member 2; plus strand). Cytogenetic location: 5q23.3.
Variant type: single nucleotide variant.
Coding change: c.672C>G on transcript NM_001046.3 (MANE Select); coding-DNA position 672, C replaced by G.
Protein change: p.Ile224Met; replaces isoleucine 224 with methionine.
Molecular consequence: missense variant. On other transcripts: non-coding transcript variant (1).
Genome position (GRCh38, 1-based): chr5:128,084,626, C>G. VCF-style: chr5-128084626-C-G. GRCh37 (hg19) VCF-style: chr5-127420318-C-G.
Other names: c.672C>G, p.Ile224Met (NM_001256461.2); short protein forms I224M.
Identifiers: ClinVar variation 2428646 (VCV002428646.5), dbSNP rs750220247, ClinGen allele CA3392865.
Genomic context (GRCh38, chr5:128,084,626, plus strand): 5'-CACCAACACCTACTACCTGCGCACCTTCGGCCACAACACCATGGACGCTGTGCCCAGGAT[C>G]GATCACTACCGGCACACAGCCGCGCAGCTGGGCGAGAAGCTGCTCCGGCCTAGCCTGGCG-3'
Protein context (NP_001037.1, residues 214-234): GHNTMDAVPR[Ile224Met]DHYRHTAAQL